The following is an entry in ClinVar:

NM_024915.4(GRHL2):c.429C>G (p.Phe143Leu)

Gene: GRHL2 (grainyhead like transcription factor 2; plus strand). Cytogenetic location: 8q22.3.
Variant type: single nucleotide variant.
Coding change: c.429C>G on transcript NM_024915.4 (MANE Select); coding-DNA position 429, C replaced by G.
Protein change: p.Phe143Leu; replaces phenylalanine 143 with leucine.
Molecular consequence: missense variant.
Genome position (GRCh38, 1-based): chr8:101,558,563, C>G. VCF-style: chr8-101558563-C-G. GRCh37 (hg19) VCF-style: chr8-102570791-C-G.
Other names: c.381C>G, p.Phe127Leu (NM_001330593.2); short protein forms F127L, F143L.
Identifiers: ClinVar variation 2663026 (VCV002663026.1), dbSNP rs759236330, ClinGen allele CA371643948.
Genomic context (GRCh38, chr8:101,558,563, plus strand): 5'-CCTTTCCCTAAATCAAGATCACCTGGAGAATTCCAAGCGGGAACAGTACAGCATCAGCTT[C>G]CCCGAGAGCTCTGCCATCATCCCGGTGTCGGGAATCACGGTGGTGAAAGCTGAAGATTTC-3'
Protein context (NP_079191.2, residues 133-153): NSKREQYSIS[Phe143Leu]PESSAIIPVS

ClinVar aggregate classification (germline): Uncertain significance (1 of 4 stars; one submission).

gnomAD v4.1: 6 of 1,614,148 alleles (0.00037%); highest among the groups gnomAD compares: Non-Finnish European, 0.00051%; no homozygotes.

Submission:

GeneDx
Classification: Uncertain significance. Last evaluated: 2023-04-20. Review status: criteria provided, single submitter. Criteria: GeneDx Variant Classification Process June 2021. Collection method: clinical testing. Allele origin: germline. Affected: yes.
Comment: Not observed at significant frequency in large population cohorts (gnomAD); In silico analysis supports that this missense variant does not alter protein structure/function; Has not been previously published as pathogenic or benign to our knowledge